The following is an entry in ClinVar:

ClinVar aggregate classification (germline): Likely benign. Review status: criteria provided, single submitter (1 of 4 stars). 2 submissions from 2 submitters: Likely benign (1). 1 of the submissions does not count toward it. Last evaluated 2023-08-29.

Conditions:
Familial cancer of breast. Also called: BREAST CANCER, FAMILIAL; Hereditary breast cancer; hereditary breast carcinoma. Identifiers: Orphanet 227535, MedGen C0346153, MONDO:0016419, OMIM 114480. Disease mechanism: loss of function.

Submissions (2):

Ophthalmic Genetics Group, Institute of Molecular and Clinical Ophthalmology Basel
Classification: Likely benign for Familial cancer of breast. Last evaluated: 2023-08-29. Review status: criteria provided, single submitter. Criteria: ACMG Guidelines, 2015. Collection method: curation. Allele origin: unknown.
Comment: Clinical significance based on ACMG v2.0

This variant was classified as Likely benign based on ACMG criteria: BS1 and BP7.

Department of Zoology Govt. MVM College
Classification: Likely pathogenic for Familial cancer of breast. Review status: no assertion criteria provided. Collection method: not provided. Allele origin: unknown. Not counted in ClinVar's aggregate classification.
Comment: KM270514;KM276984
ClinVar note: Converted during submission from probable-pathogenic to Likely pathogenic.

NC_012920.1(MT-CYB):m.15385C>T

Gene: MT-CYB (mitochondrially encoded cytochrome b; plus strand).
Variant type: single nucleotide variant.
Genome position: chrM-15385-C-T.
Identifiers: ClinVar variation 143888 (VCV000143888.4), dbSNP rs527236183, ClinGen allele CA270615.